The following is an entry in ClinVar:

ClinVar aggregate classification (germline): Pathogenic (1 of 4 stars; one submission).

Conditions:
Waardenburg syndrome type 1 (WS1). Also called: WAARDENBURG SYNDROME WITH DYSTOPIA CANTHORUM; Waardenburg Syndrome Type I. Identifiers: Orphanet 894, MedGen C1847800, MONDO:0008670, OMIM 193500.

Submission:

Institute of Rare Diseases, West China Hospital, Sichuan University
Classification: Pathogenic for Waardenburg syndrome type 1. Last evaluated: 2025-01-09. Review status: criteria provided, single submitter. Criteria: ClinGen HL ACMG Specifications v1. Collection method: research. Allele origin: germline. Affected: yes.
Comment: PM1;PVS1;PM2_Supporting

NM_181458.4(PAX3):c.788dup (p.Gln264fs)

Gene: PAX3 (paired box 3; minus strand). Cytogenetic location: 2q36.1.
Variant type: Duplication.
Coding change: c.788dup on transcript NM_181458.4 (MANE Select); coding-DNA position 788, one base duplicated (T; older notation c.788dupT).
Protein change: p.Gln264fs; shifts the reading frame from glutamine 264.
Molecular consequence: frameshift variant.
Genome position (GRCh38, 1-based): chr2:222,232,082, A duplicated on the plus strand (T on the coding strand, the reverse complement: PAX3 is on the minus strand). VCF-style (leftmost placement, unchanged base first): chr2-222232081-T-TA. GRCh37 (hg19) VCF-style: chr2-223096800-T-TA.
Other names: c.785dup, p.Gln263fs (NM_001127366.3); c.788dup, p.Gln264fs (NM_181457.4, NM_181459.4, NM_181460.4 and 1 more transcripts); short protein forms Q263fs, Q264fs.
Identifiers: ClinVar variation 3601589 (VCV003601589.1).